The following is an entry in ClinVar:

NM_004304.5(ALK):c.2036C>A (p.Pro679His)

Gene: ALK (ALK receptor tyrosine kinase; minus strand). Cytogenetic location: 2p23.2.
Variant type: single nucleotide variant.
Coding change: c.2036C>A on transcript NM_004304.5 (MANE Select); coding-DNA position 2036, C replaced by A.
Protein change: p.Pro679His; replaces proline 679 with histidine.
Molecular consequence: missense variant.
Genome position (GRCh38, 1-based): chr2:29,275,104, G>T on the plus strand (C>A on the coding strand, the complement: ALK is on the minus strand). VCF-style: chr2-29275104-G-T. GRCh37 (hg19) VCF-style: chr2-29497970-G-T.
Other names: short protein forms P679H.
Identifiers: ClinVar variation 2095685 (VCV002095685.4), dbSNP rs1558648699, ClinGen allele CA346479571.
Genomic context (GRCh38, chr2:29,275,104, plus strand): 5'-TCTGCCTTTTGCAACAAGAAGTTACTGTGCTCACATTTGTGAGCTGAACCCTTACCTGTA[G>T]GGTCAAAGATGGGGGTCTGTCTTGGTGAATTTTCCCCGGGTTTCAGCTCCTTGTTTGGGT-3'
Protein context (NP_004295.2, residues 669-689): NSPRQTPIFD[Pro679His]TVHWLFTTCG

ClinVar aggregate classification (germline): Uncertain significance (1 of 4 stars; one submission).

Conditions:
Neuroblastoma, susceptibility to, 3. Also called: ALK-Related Neuroblastic Tumor Susceptibility. Identifiers: Orphanet 635, MedGen C2751681, MONDO:0013083, OMIM 613014.

Submission:

Labcorp Genetics (formerly Invitae), Labcorp
Classification: Uncertain significance for Neuroblastoma, susceptibility to, 3. Last evaluated: 2022-02-09. Review status: criteria provided, single submitter. Criteria: Invitae Variant Classification Sherloc (09022015). Collection method: clinical testing. Allele origin: germline.
Comment: This sequence change replaces proline, which is neutral and non-polar, with histidine, which is basic and polar, at codon 679 of the ALK protein (p.Pro679His). In summary, the available evidence is currently insufficient to determine the role of this variant in disease. Therefore, it has been classified as a Variant of Uncertain Significance. Algorithms developed to predict the effect of missense changes on protein structure and function are either unavailable or do not agree on the potential impact of this missense change (SIFT: "Deleterious"; PolyPhen-2: "Possibly Damaging"; Align-GVGD: "Class C0"). This variant has not been reported in the literature in individuals affected with ALK-related conditions. This variant is not present in population databases (gnomAD no frequency).